The following is an entry in ClinVar:

NM_020631.6(PLEKHG5):c.19G>A (p.Val7Ile)

Genes: PLEKHG5 (pleckstrin homology and RhoGEF domain containing G5; minus strand), LOC126805598 (MED14-independent group 3 enhancer GRCh37_chr1:6536823-6538022; plus strand). Cytogenetic location: 1p36.31.
Variant type: single nucleotide variant.
Coding change: c.19G>A on transcript NM_020631.6 (MANE Select); coding-DNA position 19, G replaced by A.
Protein change: p.Val7Ile; replaces valine 7 with isoleucine.
Molecular consequence: missense variant.
Genome position (GRCh38, 1-based): chr1:6,477,553, C>T on the plus strand (G>A on the coding strand, the complement: PLEKHG5 is on the minus strand). VCF-style: chr1-6477553-C-T. GRCh37 (hg19) VCF-style: chr1-6537613-C-T.
Other names: c.130G>A, p.Val44Ile (NM_001042663.3, NM_001265592.2); c.19G>A, p.Val7Ile (NM_001042664.2, NM_001042665.2, NM_001265594.3 and 1 more transcripts); c.226G>A, p.Val76Ile (NM_001265593.2); short protein forms V44I, V76I, V7I.
Identifiers: ClinVar variation 1040993 (VCV001040993.7), dbSNP rs779425195, ClinGen allele CA562046.

ClinVar aggregate classification (germline): Uncertain significance. Review status: criteria provided, multiple submitters, no conflicts (2 of 4 stars). 2 submissions from 2 submitters: Uncertain significance (2). Last evaluated 2024-04-04.

Conditions:
Inborn genetic diseases. Identifiers: MedGen C0950123, MeSH D030342.
Neuronopathy, distal hereditary motor, autosomal recessive 4. Also called: NEUROPATHY, DISTAL HEREDITARY MOTOR, AUTOSOMAL RECESSIVE 4; Autosomal recessive lower motor neuron disease with childhood onset. Identifiers: Orphanet 206580, MedGen C1970211, MONDO:0012608, OMIM 611067.
Charcot-Marie-Tooth disease recessive intermediate C. Also called: CHARCOT-MARIE-TOOTH NEUROPATHY, RECESSIVE INTERMEDIATE C. Identifiers: Orphanet 369867, MedGen C3809309, MONDO:0014154, OMIM 615376.

Allele frequency attached by ClinVar (database versions not stated): gnomAD exomes below 0.00001 and 0.00001; TOPMed below 0.00001; ExAC 0.00001; gnomAD 0.00001.

Submissions (2):

Ambry Genetics
Classification: Uncertain significance for Inborn genetic diseases. Last evaluated: 2024-04-04. Review status: criteria provided, single submitter. Criteria: Ambry Variant Classification Scheme 2023. Collection method: clinical testing. Allele origin: germline.

Labcorp Genetics (formerly Invitae), Labcorp
Classification: Uncertain significance for Neuronopathy, distal hereditary motor, autosomal recessive 4; Charcot-Marie-Tooth disease recessive intermediate C. Last evaluated: 2021-08-28. Review status: criteria provided, single submitter. Criteria: Invitae Variant Classification Sherloc (09022015). Collection method: clinical testing. Allele origin: germline.
Comment: This sequence change replaces valine with isoleucine at codon 7 of the PLEKHG5 protein (p.Val7Ile). The valine residue is moderately conserved and there is a small physicochemical difference between valine and isoleucine. This variant is present in population databases (rs779425195, ExAC 0.02%). This variant has not been reported in the literature in individuals affected with PLEKHG5-related conditions. Algorithms developed to predict the effect of missense changes on protein structure and function output the following: SIFT: "Tolerated"; PolyPhen-2: "Benign"; Align-GVGD: "Class C0". The isoleucine amino acid residue is found in multiple mammalian species, which suggests that this missense change does not adversely affect protein function. In summary, the available evidence is currently insufficient to determine the role of this variant in disease. Therefore, it has been classified as a Variant of Uncertain Significance.